The following is an entry in ClinVar:

NM_000089.4(COL1A2):c.3673C>T (p.His1225Tyr)

Gene: COL1A2 (collagen type I alpha 2 chain; plus strand). Cytogenetic location: 7q21.3.
Variant type: single nucleotide variant.
Coding change: c.3673C>T on transcript NM_000089.4 (MANE Select); coding-DNA position 3673, C replaced by T.
Protein change: p.His1225Tyr; replaces histidine 1225 with tyrosine.
Molecular consequence: missense variant.
Genome position (GRCh38, 1-based): chr7:94,428,439, C>T. VCF-style: chr7-94428439-C-T. GRCh37 (hg19) VCF-style: chr7-94057751-C-T.
Other names: short protein forms H1225Y.
Identifiers: ClinVar variation 456834 (VCV000456834.12), dbSNP rs535142482, ClinGen allele CA4347811.
Genomic context (GRCh38, chr7:94,428,439, plus strand): 5'-CGGGCCCAACCTGAAAACATCCCAGCCAAGAACTGGTATAGGAGCTCCAAGGACAAGAAA[C>T]ACGTCTGGCTAGGAGAAACTATCAATGCTGGCAGCCAGGTGAGGAATCCCACAAACACCT-3'
Protein context (NP_000080.2, residues 1215-1235): NWYRSSKDKK[His1225Tyr]VWLGETINAG

ClinVar aggregate classification (germline): Conflicting classifications of pathogenicity. Review status: criteria provided, conflicting classifications (1 of 4 stars). 3 submissions from 3 submitters: Uncertain significance (1); Likely benign (2). Last evaluated 2025-06-05.

Conditions:
Cardiovascular phenotype. Identifiers: MedGen CN230736.
Ehlers-Danlos syndrome, classic type, 1 (EDSCL1). Also called: EHLERS-DANLOS SYNDROME, GRAVIS TYPE; EHLERS-DANLOS SYNDROME, SEVERE CLASSIC TYPE; EDS I; Ehlers-Danlos Syndrome, Classic Type, COL5A1-Related; Ehlers-Danlos syndrome, type 1. Identifiers: MedGen C0268335, MONDO:0019567, OMIM 130000.
Osteogenesis imperfecta type I (OI1). Also called: OI, TYPE I; OSTEOGENESIS IMPERFECTA TARDA; OSTEOGENESIS IMPERFECTA WITH BLUE SCLERAE; Classic Non-deforming Osteogenesis Imperfecta with Blue Sclerae; Lobstein disease; Osteogenesis imperfecta type 1. Identifiers: Orphanet 216796, Orphanet 666, MedGen C0023931, MONDO:0008146, OMIM 166200. Disease mechanism: loss of function.

Allele frequency attached by ClinVar (database versions not stated): ExAC 0.00012; 1000 Genomes Project 30x 0.00047; gnomAD exomes 0.00001 and 0.00005; gnomAD 0.00003 and below 0.00001; 1000 Genomes Project 0.00040; TOPMed below 0.00001.
gnomAD v4.1: 26 of 1,614,094 alleles (0.0016%); highest among the groups gnomAD compares: South Asian, 0.026%; 1 homozygote.

Submissions (3):

Ambry Genetics
Classification: Uncertain significance for Cardiovascular phenotype. Last evaluated: 2025-06-05. Review status: criteria provided, single submitter. Criteria: Ambry Variant Classification Scheme 2023. Collection method: clinical testing. Allele origin: germline.
Comment: The p.H1225Y variant (also known as c.3673C>T), located in coding exon 50 of the COL1A2 gene, results from a C to T substitution at nucleotide position 3673. The histidine at codon 1225 is replaced by tyrosine, an amino acid with similar properties. This variant was reported in an infant with with lactose intolerance, recurrent diarrhea, alopecia, short stature, and recurrent gastritis who underwent whole exome sequencing and was also noted to carry a homozygous nonsense variant in the FOXN1 gene (Radha Rama Devi A et al. Gene, 2017 Sep;627:222-225). This amino acid position is highly conserved in available vertebrate species. In addition, the in silico prediction for this alteration is inconclusive. Based on the available evidence, the clinical significance of this variant remains unclear.

Labcorp Genetics (formerly Invitae), Labcorp
Classification: Likely benign for Osteogenesis imperfecta type I; Ehlers-Danlos syndrome, classic type, 1. Last evaluated: 2025-03-16. Review status: criteria provided, single submitter. Criteria: Invitae Variant Classification Sherloc (09022015). Collection method: clinical testing. Allele origin: germline.

Women's Health and Genetics/Laboratory Corporation of America, LabCorp
Classification: Likely benign. Last evaluated: 2024-04-24. Review status: criteria provided, single submitter. Criteria: LabCorp Variant Classification Summary - May 2015. Collection method: clinical testing. Allele origin: germline.
Comment: Variant summary: COL1A2 c.3673C>T (p.His1225Tyr) results in a conservative amino acid change located in the Fibrillar collagen, C-terminal domain (IPR000885) of the encoded protein sequence. Three of five in-silico tools predict a damaging effect of the variant on protein function. The variant allele was found at a frequency of 4.8e-05 in 250976 control chromosomes. The observed variant frequency is approximately 10-fold of the estimated maximal expected allele frequency for a pathogenic variant in COL1A2 causing Ehlers-Danlos Syndrome phenotype (5e-06), strongly suggesting that the variant is benign. To our knowledge, no occurrence of c.3673C>T in individuals affected with Ehlers-Danlos Syndrome and no experimental evidence demonstrating its impact on protein function have been reported. ClinVar contains an entry for this variant (Variation ID: 456834). Based on the evidence outlined above, the variant was classified as likely benign.

Literature cited by the submitters: PubMed 28636882 (cited by Ambry Genetics).